The following is an entry in ClinVar:

NR_003137.3(RNU4-2):n.27C>T

Genes: SIRT4 (sirtuin 4; plus strand), RNU4-2 (RNA, U4 small nuclear 2; minus strand). Cytogenetic location: 12q24.23.
Variant type: single nucleotide variant.
Molecular consequence: non-coding transcript variant (on NR_003137.3).
Genome position: GRCh38 VCF-style: chr12-120291877-G-A. GRCh37 (hg19) VCF-style: chr12-120729680-G-A.
Identifiers: ClinVar variation 4822656 (VCV004822656.4).

ClinVar aggregate classification (germline): Likely benign (1 of 4 stars; one submission).

gnomAD v4.1: 41 of 152,194 alleles (0.027%); highest among the groups gnomAD compares: South Asian, 0.083%; no homozygotes.

Submission:

CeGaT Center for Human Genetics Tuebingen
Classification: Likely benign. Last evaluated: 2026-07-01. Review status: criteria provided, single submitter. Criteria: CeGaT Center For Human Genetics Tuebingen Variant Classification Criteria Version 2. Collection method: clinical testing. Allele origin: germline. Affected: yes. Observed: 2 variant alleles.
Comment: RNU4-2: BS1